The following is an entry in ClinVar:

ClinVar aggregate classification (germline): Uncertain significance (1 of 4 stars; one submission).

Conditions:
Brugada syndrome. Also called: Sudden unexplained nocturnal death syndrome; Sudden unexpected nocturnal death syndrome; Sudden Unexplained Death Syndrome; Sudden Unexplained Nocturnal Death Syndrome (SUNDS). Identifiers: Orphanet 130, MedGen C1142166, MONDO:0015263.

Allele frequency attached by ClinVar (database versions not stated): TOPMed 0.00001.
gnomAD v4.1: 21 of 1,594,086 alleles (0.0013%); highest among the groups gnomAD compares: Non-Finnish European, 0.0015%; no homozygotes.

Submission:

Labcorp Genetics (formerly Invitae), Labcorp
Classification: Uncertain significance for Brugada syndrome. Last evaluated: 2019-01-26. Review status: criteria provided, single submitter. Criteria: Invitae Variant Classification Sherloc (09022015). Collection method: clinical testing. Allele origin: germline.
Comment: In summary, the available evidence is currently insufficient to determine the role of this variant in disease. Therefore, it has been classified as a Variant of Uncertain Significance. Algorithms developed to predict the effect of missense changes on protein structure and function (SIFT, PolyPhen-2, Align-GVGD) all suggest that this variant is likely to be tolerated, but these predictions have not been confirmed by published functional studies and their clinical significance is uncertain. This variant has not been reported in the literature in individuals with SCN10A-related conditions. This variant is not present in population databases (ExAC no frequency). This sequence change replaces aspartic acid with glutamic acid at codon 1079 of the SCN10A protein (p.Asp1079Glu). The aspartic acid residue is highly conserved and there is a small physicochemical difference between aspartic acid and glutamic acid.

NM_006514.4(SCN10A):c.3237C>A (p.Asp1079Glu)

Genes: SCN10A (sodium voltage-gated channel alpha subunit 10; minus strand), LOC110121288 (VISTA enhancer hs2268; plus strand). Cytogenetic location: 3p22.2.
Variant type: single nucleotide variant.
Coding change: c.3237C>A on transcript NM_006514.4 (MANE Select); coding-DNA position 3237, C replaced by A.
Protein change: p.Asp1079Glu; replaces aspartic acid 1079 with glutamic acid.
Molecular consequence: missense variant.
Genome position (GRCh38, 1-based): chr3:38,723,545, G>T on the plus strand (C>A on the coding strand, the complement: SCN10A is on the minus strand). VCF-style: chr3-38723545-G-T. GRCh37 (hg19) VCF-style: chr3-38765036-G-T.
Other names: c.3234C>A, p.Asp1078Glu (NM_001293306.2); c.2943C>A, p.Asp981Glu (NM_001293307.2); short protein forms D1078E, D1079E, D981E.
Identifiers: ClinVar variation 848360 (VCV000848360.6), dbSNP rs745921364, ClinGen allele CA352156493.